The following is an entry in ClinVar:

ClinVar aggregate classification (germline): Pathogenic (1 of 4 stars; one submission).

Allele frequency attached by ClinVar (database versions not stated): gnomAD 0.00001; TOPMed 0.00001.
gnomAD v4.1: 3 of 1,613,944 alleles (0.00019%); highest among the groups gnomAD compares: Non-Finnish European, 0.00025%; no homozygotes.

Submission:

Labcorp Genetics (formerly Invitae), Labcorp
Classification: Pathogenic. Last evaluated: 2023-05-19. Review status: criteria provided, single submitter. Criteria: Invitae Variant Classification Sherloc (09022015). Collection method: clinical testing. Allele origin: germline.
Comment: This variant has been observed in individual(s) with clinical features of xeroderma pigmentosum (PMID: 28688171). In at least one individual the data is consistent with being in trans (on the opposite chromosome) from a pathogenic variant. It has also been observed to segregate with disease in related individuals. This variant is not present in population databases (gnomAD no frequency). This variant occurs in a non-coding region of the POLH gene. It does not change the encoded amino acid sequence of the POLH protein. It affects a nucleotide within the consensus splice site. For these reasons, this variant has been classified as Pathogenic. Variants that disrupt the consensus splice site are a relatively common cause of aberrant splicing (PMID: 17576681, 9536098). Studies have shown that this variant is associated with altered splicing resulting in multiple RNA products (PMID: 28688171). ClinVar contains an entry for this variant (Variation ID: 631983).

Literature cited by the submitters: PubMed 28688171; PubMed 17576681; PubMed 9536098.

NM_006502.3(POLH):c.-4-1G>C

Gene: POLH (DNA polymerase eta; plus strand). Cytogenetic location: 6p21.1.
Variant type: single nucleotide variant.
Coding change: c.-4-1G>C on transcript NM_006502.3 (MANE Select); the canonical splice acceptor site of the intron before 4 bases upstream of the start codon, G replaced by C.
Molecular consequence: splice acceptor variant. On other transcripts: intron variant (1).
Genome position (GRCh38, 1-based): chr6:43,582,315, G>C. VCF-style: chr6-43582315-G-C. GRCh37 (hg19) VCF-style: chr6-43550052-G-C.
Other names: c.-4-1G>C (NM_001291970.2); c.-17-692G>C (NM_001291969.2).
Identifiers: ClinVar variation 631983 (VCV000631983.9), dbSNP rs1461960812, ClinGen allele CA824938920.